The following is an entry in ClinVar:

ClinVar aggregate classification (germline): Uncertain significance (1 of 4 stars; one submission).

Conditions:
Ataxia-telangiectasia syndrome (AT). Also called: AT, COMPLEMENTATION GROUP C; Ataxia telangiectasia (A-T); Cerebello-oculocutaneous telangiectasia; Immunodeficiency with ataxia telangiectasia; LOUIS-BAR SYNDROME; Ataxia-telangiectasia. Identifiers: Orphanet 100, MedGen C0004135, MONDO:0008840, OMIM 208900.

Submission:

Labcorp Genetics (formerly Invitae), Labcorp
Classification: Uncertain significance for Ataxia-telangiectasia syndrome. Last evaluated: 2024-03-20. Review status: criteria provided, single submitter. Criteria: Invitae Variant Classification Sherloc (09022015). Collection method: clinical testing. Allele origin: germline.
Comment: This sequence change falls in intron 27 of the ATM gene. It does not directly change the encoded amino acid sequence of the ATM protein. It affects a nucleotide within the consensus splice site. This variant is not present in population databases (gnomAD no frequency). This variant has not been reported in the literature in individuals affected with ATM-related conditions. ClinVar contains an entry for this variant (Variation ID: 963861). Variants that disrupt the consensus splice site are a relatively common cause of aberrant splicing (PMID: 17576681, 9536098). Algorithms developed to predict the effect of sequence changes on RNA splicing suggest that this variant is not likely to affect RNA splicing. In summary, the available evidence is currently insufficient to determine the role of this variant in disease. Therefore, it has been classified as a Variant of Uncertain Significance.

Literature cited by the submitters: PubMed 17576681; PubMed 9536098.

NM_000051.4(ATM):c.4109+4T>G

Gene: ATM (ATM serine/threonine kinase; plus strand). Cytogenetic location: 11q22.3.
Variant type: single nucleotide variant.
Coding change: c.4109+4T>G on transcript NM_000051.4 (MANE Select); 4 bases into the intron after coding-DNA position 4109, T replaced by G.
Molecular consequence: intron variant.
Genome position (GRCh38, 1-based): chr11:108,287,719, T>G. VCF-style: chr11-108287719-T-G. GRCh37 (hg19) VCF-style: chr11-108158446-T-G.
Other names: c.4109+4T>G (NM_001351834.2).
Identifiers: ClinVar variation 963861 (VCV000963861.9), dbSNP rs754706599, ClinGen allele CA1139662233.